The following is an entry in ClinVar:

NM_002381.5(MATN3):c.425A>G (p.Asp142Gly)

Gene: MATN3 (matrilin 3; minus strand). Cytogenetic location: 2p24.1.
Variant type: single nucleotide variant.
Coding change: c.425A>G on transcript NM_002381.5 (MANE Select); coding-DNA position 425, A replaced by G.
Protein change: p.Asp142Gly; replaces aspartic acid 142 with glycine.
Molecular consequence: missense variant.
Genome position (GRCh38, 1-based): chr2:20,006,109, T>C on the plus strand (A>G on the coding strand, the complement: MATN3 is on the minus strand). VCF-style: chr2-20006109-T-C. GRCh37 (hg19) VCF-style: chr2-20205870-T-C.
Other names: short protein forms D142G.
Identifiers: ClinVar variation 2633402 (VCV002633402.1), dbSNP rs2527703636, ClinGen allele CA345951119.

ClinVar aggregate classification (germline): Uncertain significance (1 of 4 stars; one submission).

Conditions:
MATN3-related disorder. Also called: MATN3-related condition.

Submission:

PreventionGenetics, part of Exact Sciences
Classification: Uncertain significance for MATN3-related condition. Last evaluated: 2023-03-14. Review status: criteria provided, single submitter. Criteria: ACMG Guidelines, 2015. Collection method: clinical testing. Allele origin: germline.
Comment: The MATN3 c.425A>G variant is predicted to result in the amino acid substitution p.Asp142Gly. To our knowledge, this variant has not been reported in the literature or in a large population database, indicating this variant is rare. At this time, the clinical significance of this variant is uncertain due to the absence of conclusive functional and genetic evidence.